The following is an entry in ClinVar:

ClinVar aggregate classification (germline): Conflicting classifications of pathogenicity. Review status: criteria provided, conflicting classifications (1 of 4 stars). 20 submissions from 19 submitters: Pathogenic (1); Likely pathogenic (1); Uncertain significance (16). 2 of the submissions do not count toward it. Last evaluated 2026-06-22.

Conditions:
NEXN-related disorder. Also called: NEXN-related condition; NEXN-related disorders.
Cardiovascular phenotype. Identifiers: MedGen CN230736.
Dilated cardiomyopathy 1CC (CMD1CC). Identifiers: Orphanet 154, MedGen C2751084, MONDO:0013147, OMIM 613122.
Hypertrophic cardiomyopathy 20. Identifiers: MedGen C3151267, MONDO:0013477, OMIM 613876.
Cardiomyopathy (CMYO). Also called: Cardiomyopathies. Identifiers: Orphanet 167848, MedGen C0878544, MONDO:0004994, HP:0001638. Inheritance: Various modes of inheritance.
Dilated cardiomyopathy 1S (CMD1S). Identifiers: Orphanet 154, Orphanet 54260, MedGen C1834481, MONDO:0013262, OMIM 613426.
Primary dilated cardiomyopathy (DCM). Also called: Dilated Cardiomyopathy. Identifiers: Orphanet 217604, MedGen C0007193, MeSH D002311, MONDO:0005021, HP:0001644. Inheritance: Various modes of inheritance.

Allele frequency attached by ClinVar (database versions not stated): gnomAD exomes 0.00007 and 0.00016; TOPMed 0.00007; ExAC 0.00010; gnomAD 0.00010 and 0.00011.

Submissions 1 to 8 of 20:

PreventionGenetics, part of Exact Sciences
Classification: Uncertain significance for NEXN-related condition. Last evaluated: 2026-06-22. Review status: criteria provided, single submitter. Criteria: ACMG Guidelines, 2015. Collection method: clinical testing. Allele origin: germline.
Comment: The NEXN c.1955A>G variant is predicted to result in the amino acid substitution p.Tyr652Cys. This variant has been reported primarily in individuals with dilated cardiomyopathy (Hassel et al. 2009. PubMed ID: 19881492; Supplementary File 2, van Lint et al. 2019. PubMed ID: 30847666; Murdock et al. 2021. PubMed ID: 34363016). Some of these individuals carried causative variants in other cardiomyopathy-related genes, including TTN and MYH7 (S5 Table, Klauke et al. 2017. PubMed ID: 29253866; Minoche et al. 2018. PubMed ID: 29961767; Supplementary File 2, van Lint et al. 2019. PubMed ID: 30847666). Functional studies in zebrafish suggest this variant impacts protein function (Hassel et al. 2009. PubMed ID: 19881492). This variant is reported in 0.014% of alleles in individuals of European (non-Finnish) descent in gnomAD. At this time, the clinical significance of this variant is uncertain due to the absence of conclusive functional and genetic evidence.

Labcorp Genetics (formerly Invitae), Labcorp
Classification: Uncertain significance for Dilated cardiomyopathy 1CC; Hypertrophic cardiomyopathy 20. Last evaluated: 2026-01-15. Review status: criteria provided, single submitter. Criteria: Invitae Variant Classification Sherloc (09022015). Collection method: clinical testing. Allele origin: germline.
Comment: This sequence change replaces tyrosine, which is neutral and polar, with cysteine, which is neutral and slightly polar, at codon 652 of the NEXN protein (p.Tyr652Cys). This variant is present in population databases (rs137853197, gnomAD 0.01%). This missense change has been observed in individual(s) with dilated cardiomyopathy (PMID: 19881492, 24503780, 29253866, 30847666). ClinVar contains an entry for this variant (Variation ID: 326). Invitae Evidence Modeling of protein sequence and biophysical properties (such as structural, functional, and spatial information, amino acid conservation, physicochemical variation, residue mobility, and thermodynamic stability) has been performed for this missense variant. However, the output from this modeling did not meet the statistical confidence thresholds required to predict the impact of this variant on NEXN protein function. Experimental studies have shown that this missense change affects NEXN function (PMID: 19881492). In summary, the available evidence is currently insufficient to determine the role of this variant in disease. Therefore, it has been classified as a Variant of Uncertain Significance.

GeneDx
Classification: Uncertain significance. Last evaluated: 2025-07-17. Review status: criteria provided, single submitter. Criteria: GeneDx Variant Classification Process June 2021. Collection method: clinical testing. Allele origin: germline. Affected: yes.
Comment: Identified in association with cardiomyopathy, sudden cardiac death, and aortic aneurysm/dissection in published literature (PMID: 19881492, 24503780, 30847666, 29253866, 29961767, 34363016); Functional studies suggest this missense variant acts in a dominant-negative manner and leads to a dilated cardiomyopathy phenotype in zebrafish; however, further functional evidence is needed to clarify the role of this variant in human disease (PMID: 19881492); In silico analysis supports that this missense variant has a deleterious effect on protein structure/function; This variant is associated with the following publications: (PMID: 20970104, 31028938, 26187847, 27171814, 23299917, 19881492, 29253866, 26383259, 30847666, 33949776, 29961767, 34363016, 35166435, 36935760, 24503780, 39481677)

Molecular Diagnostic Laboratory for Inherited Cardiovascular Disease, Montreal Heart Institute
Classification: Uncertain significance for Cardiovascular phenotype. Last evaluated: 2025-04-09. Review status: criteria provided, single submitter. Criteria: ACMG Guidelines, 2015. Collection method: clinical testing. Allele origin: germline. Affected: yes.

Women's Health and Genetics/Laboratory Corporation of America, LabCorp
Classification: Uncertain significance. Last evaluated: 2025-04-07. Review status: criteria provided, single submitter. Criteria: LabCorp Variant Classification Summary - May 2015. Collection method: clinical testing. Allele origin: germline.
Comment: Variant summary: NEXN c.1955A>G (p.Tyr652Cys) results in a non-conservative amino acid change in the encoded protein sequence. Four of four in-silico tools predict a damaging effect of the variant on protein function. The variant allele was found at a frequency of 7.2e-05 in 248554 control chromosomes. The observed variant frequency is approximately 2.9 fold of the estimated maximal expected allele frequency for a pathogenic variant in NEXN causing Cardiomyopathy phenotype (2.5e-05). c.1955A>G has been reported in the literature in individuals affected with Cardiomyopathy (example: Hassel_2009, Andreasen_2013, Klauke_2017, vanLint_2019, Murdock_2021). These report(s) do not provide unequivocal conclusions about association of the variant with Cardiomyopathy. Co-occurrences with other pathogenic variant(s) have been reported (MYH7 c.1106G>A, p.Arg369Gln), providing supporting evidence for a benign role (Klauke_2017). At least one publication reports experimental evidence evaluating an impact on protein function, however, does not allow convincing conclusions about the variant effect (Hassel_2009). ClinVar contains an entry for this variant (Variation ID: 326). Based on the evidence outlined above, the variant was classified as VUS-possibly benign.

ARUP Laboratories, Molecular Genetics and Genomics, ARUP Laboratories
Classification: Uncertain significance. Last evaluated: 2025-02-26. Review status: criteria provided, single submitter. Criteria: ARUP Molecular Germline Variant Investigation Process 2024. Collection method: clinical testing. Allele origin: germline.
Comment: The NEXN c.1955A>G; p.Tyr652Cys variant (rs137853197, ClinVar Variation ID: 326) is reported in the literature in multiple individuals affected with dilated cardiomyopathy or other cardiovascular phenotypes, although several individuals carried additional pathogenic variants in other genes that could explain their disease (Hassel 2009, Hertz 2016, Klauke 2017, Minoche 2019, Murdock 2021, van Lint 2019). The p.Tyr652Cys variant is found in the general population with an overall allele frequency of 0.008% (22/279,940 alleles) in the Genome Aggregation Database (v2.1.1). Computational analyses predict that this variant is deleterious (REVEL: 0.932), and a functional study suggested overexpression of the variant protein in zebrafish is associated with cardiac dilation and Z-disk disruption, although the clinical relevance of this assay is unclear (Hassel 2009). Due to limited and conflicting information, the clinical significance of this variant is uncertain at this time. References: Hassel D et al. Nexilin mutations destabilize cardiac Z-disks and lead to dilated cardiomyopathy. Nat Med. 2009 Nov;15(11):1281-8. PMID: 19881492. Hertz CL et al. Next-generation sequencing of 100 candidate genes in young victims of suspected sudden cardiac death with structural abnormalities of the heart. Int J Legal Med. 2016 Jan;130(1):91-102. PMID: 26383259. Klauke B et al. High proportion of genetic cases in patients with advanced cardiomyopathy including a novel homozygous Plakophilin 2-gene mutation. PLoS One. 2017 Dec 18;12(12):e0189489. PMID: 29253866. Minoche AE et al. Genome sequencing as a first-line genetic test in familial dilated cardiomyopathy. Genet Med. 2019 Mar;21(3):650-662. PMID: 29961767. Murdock DR et al. Genetic testing in ambulatory cardiology clinics reveals high rate of findings with clinical management implications. Genet Med. 2021 Dec;23(12):2404-2414. PMID: 34363016. van Lint FHM et al. Large next-generation sequencing gene panels in genetic heart disease: yield of pathogenic variants and variants of unknown significance. Neth Heart J. 2019 Jun;27(6):304-309. PMID: 30847666.

Blueprint Genetics
Classification: Uncertain significance. Last evaluated: 2024-10-02. Review status: criteria provided, single submitter. Criteria: ACMG Guidelines, 2015. Collection method: clinical testing. Allele origin: germline.

Lildballe Lab, Aarhus University Hospital
Classification: Uncertain significance for dilated cardiomyopathy. Last evaluated: 2024-03-01. Review status: criteria provided, single submitter. Criteria: ACMG Guidelines, 2015. Collection method: research. Allele origin: germline. Affected: yes.
Comment: PP3(m), PM2(sup), PP5(noinf)

NM_144573.4(NEXN):c.1955A>G (p.Tyr652Cys)

Gene: NEXN (nexilin F-actin binding protein; plus strand). Cytogenetic location: 1p31.1.
Variant type: single nucleotide variant.
Coding change: c.1955A>G on transcript NM_144573.4 (MANE Select); coding-DNA position 1955, A replaced by G.
Protein change: p.Tyr652Cys; replaces tyrosine 652 with cysteine.
Molecular consequence: missense variant.
Genome position (GRCh38, 1-based): chr1:77,942,756, A>G. VCF-style: chr1-77942756-A-G. GRCh37 (hg19) VCF-style: chr1-78408441-A-G.
Other names: p.Y652C:TAT>TGT; c.1763A>G, p.Tyr588Cys (NM_001172309.2); short protein forms Y652C, Y588C.
Identifiers: ClinVar variation 326 (VCV000000326.37), dbSNP rs137853197, ClinGen allele CA142143.